The following is an entry in ClinVar:

NM_003482.4(KMT2D):c.9947del (p.Gly3316fs)

Gene: KMT2D (lysine methyltransferase 2D; minus strand). Cytogenetic location: 12q13.12.
Variant type: Deletion.
Coding change: c.9947del on transcript NM_003482.4 (MANE Select); coding-DNA position 9947, one base deleted (G; older notation c.9947delG).
Protein change: p.Gly3316fs; shifts the reading frame from glycine 3316.
Molecular consequence: frameshift variant.
Genome position (GRCh38, 1-based): chr12:49,037,409, C deleted on the plus strand (G on the coding strand, the reverse complement: KMT2D is on the minus strand); the first of 3 consecutive C bases (chr12:49,037,409-49,037,411); deleting any one gives the same sequence. VCF-style (leftmost placement, unchanged base first): chr12-49037408-AC-A. GRCh37 (hg19) VCF-style: chr12-49431191-AC-A.
Other names: c.9947delG (NM_003482.3); short protein forms G3316fs.
Identifiers: ClinVar variation 643374 (VCV000643374.6), dbSNP rs1592129138, ClinGen allele CA915948314.

ClinVar aggregate classification (germline): Pathogenic (1 of 4 stars; one submission).

Conditions:
Kabuki syndrome. Also called: NIIKAWA-KUROKI SYNDROME; Kabuki make-up syndrome. Identifiers: Orphanet 2322, MedGen C0796004, MONDO:0016512.

Submission:

Labcorp Genetics (formerly Invitae), Labcorp
Classification: Pathogenic for Kabuki syndrome. Last evaluated: 2018-08-20. Review status: criteria provided, single submitter. Criteria: Invitae Variant Classification Sherloc (09022015). Collection method: clinical testing. Allele origin: germline.
Comment: Loss-of-function variants in KMT2D are known to be pathogenic (PMID: 22126750). This variant is not present in population databases (ExAC no frequency). This variant has not been reported in the literature in individuals with KMT2D-related disease. For these reasons, this variant has been classified as Pathogenic. This sequence change creates a premature translational stop signal (p.Gly3316Valfs*14) in the KMT2D gene. It is expected to result in an absent or disrupted protein product.

Literature cited by the submitters: PubMed 22126750.